The following is an entry in ClinVar:

NM_001130823.3(DNMT1):c.1931T>G (p.Phe644Cys)

Gene: DNMT1 (DNA methyltransferase 1; minus strand). Cytogenetic location: 19p13.2.
Variant type: single nucleotide variant.
Coding change: c.1931T>G on transcript NM_001130823.3 (MANE Select); coding-DNA position 1931, T replaced by G.
Protein change: p.Phe644Cys; replaces phenylalanine 644 with cysteine.
Molecular consequence: missense variant.
Genome position (GRCh38, 1-based): chr19:10,154,381, A>C on the plus strand (T>G on the coding strand, the complement: DNMT1 is on the minus strand). VCF-style: chr19-10154381-A-C. GRCh37 (hg19) VCF-style: chr19-10265057-A-C.
Other names: c.1883T>G, p.Phe628Cys (NM_001318730.2, NM_001379.4); c.1568T>G, p.Phe523Cys (NM_001318731.2); short protein forms F523C, F628C, F644C.
Identifiers: ClinVar variation 1309906 (VCV001309906.2), dbSNP rs2145307324, ClinGen allele CA403933524.
Genomic context (GRCh38, chr19:10,154,381, plus strand): 5'-AAGGCGTTCTCCTTGTCTTCTCTGTCATCCTTTTCAATTTGCTCTGCGAAGAAAGTATCG[A>C]AGATCTGGTAGACCAGCTTGGTGGTGGTGGCTTTCGTGGGTCCCCTGTCCTTCTCCCTGG-3'
Protein context (NP_001124295.1, residues 634-654): ATTTKLVYQI[Phe644Cys]DTFFAEQIEK

ClinVar aggregate classification (germline): Uncertain significance (1 of 4 stars; one submission).

Submission:

GeneDx
Classification: Uncertain significance. Last evaluated: 2019-11-11. Review status: criteria provided, single submitter. Criteria: GeneDx Variant Classification Process June 2021. Collection method: clinical testing. Allele origin: germline. Affected: yes.
Comment: Not observed in large population cohorts (Lek et al., 2016); In silico analysis, which includes protein predictors and evolutionary conservation, supports a deleterious effect; Has not been previously published as pathogenic or benign to our knowledge